The following is an entry in ClinVar:

ClinVar aggregate classification (germline): Uncertain significance (1 of 4 stars; one submission).

Conditions:
SLC27A5-related disorder. Also called: SLC27A5-related condition.

gnomAD v4.1: 4 of 1,612,956 alleles (0.00025%); highest among the groups gnomAD compares: Non-Finnish European, 0.00034%; no homozygotes.

Submission:

PreventionGenetics, part of Exact Sciences
Classification: Uncertain significance for SLC27A5-related condition. Last evaluated: 2026-08-21. Review status: criteria provided, single submitter. Criteria: ACMG Guidelines, 2015. Collection method: clinical testing. Allele origin: germline.
Comment: The SLC27A5 c.1615A>G variant is predicted to result in the amino acid substitution p.Met539Val. To our knowledge, this variant has not been reported in the literature or in a large population database (gnomAD), indicating this variant is rare. At this time, the clinical significance of this variant is uncertain due to the absence of conclusive functional and genetic evidence.

NM_012254.3(SLC27A5):c.1615A>G (p.Met539Val)

Gene: SLC27A5 (solute carrier family 27 member 5; minus strand). Cytogenetic location: 19q13.43.
Variant type: single nucleotide variant.
Coding change: c.1615A>G on transcript NM_012254.3 (MANE Select); coding-DNA position 1615, A replaced by G.
Protein change: p.Met539Val; replaces methionine 539 with valine.
Molecular consequence: missense variant.
Genome position (GRCh38, 1-based): chr19:58,499,544, T>C on the plus strand (A>G on the coding strand, the complement: SLC27A5 is on the minus strand). VCF-style: chr19-58499544-T-C. GRCh37 (hg19) VCF-style: chr19-59010911-T-C.
Other names: c.1363A>G, p.Met455Val (NM_001321196.2); short protein forms M455V, M539V.
Identifiers: ClinVar variation 4979922 (VCV004979922.1).